The following is an entry in ClinVar:

NM_001122752.2(SERPINI1):c.547G>A (p.Ala183Thr)

Gene: SERPINI1 (serpin family I member 1; plus strand). Cytogenetic location: 3q26.1.
Variant type: single nucleotide variant.
Coding change: c.547G>A on transcript NM_001122752.2 (MANE Select); coding-DNA position 547, G replaced by A.
Protein change: p.Ala183Thr; replaces alanine 183 with threonine.
Molecular consequence: missense variant.
Genome position (GRCh38, 1-based): chr3:167,792,655, G>A. VCF-style: chr3-167792655-G-A. GRCh37 (hg19) VCF-style: chr3-167510443-G-A.
Other names: c.547G>A, p.Ala183Thr (NM_005025.5); short protein forms A183T.
Identifiers: ClinVar variation 2988166 (VCV002988166.3), dbSNP rs2476231061, ClinGen allele CA355156568.

ClinVar aggregate classification (germline): Uncertain significance (1 of 4 stars; one submission).

Conditions:
Familial encephalopathy with neuroserpin inclusion bodies. Also called: ENCEPHALOPATHY, FAMILIAL, WITH COLLINS BODIES. Identifiers: Orphanet 85110, MedGen C1858680, MONDO:0011412, OMIM 604218.

Submission:

Labcorp Genetics (formerly Invitae), Labcorp
Classification: Uncertain significance for Familial encephalopathy with neuroserpin inclusion bodies. Last evaluated: 2024-02-05. Review status: criteria provided, single submitter. Criteria: Invitae Variant Classification Sherloc (09022015). Collection method: clinical testing. Allele origin: germline.
Comment: This sequence change replaces alanine, which is neutral and non-polar, with threonine, which is neutral and polar, at codon 183 of the SERPINI1 protein (p.Ala183Thr). This variant is not present in population databases (gnomAD no frequency). This variant has not been reported in the literature in individuals affected with SERPINI1-related conditions. Advanced modeling of protein sequence and biophysical properties (such as structural, functional, and spatial information, amino acid conservation, physicochemical variation, residue mobility, and thermodynamic stability) performed at Invitae indicates that this missense variant is not expected to disrupt SERPINI1 protein function with a negative predictive value of 80%. In summary, the available evidence is currently insufficient to determine the role of this variant in disease. Therefore, it has been classified as a Variant of Uncertain Significance.